The following is an entry in ClinVar:

NM_001267550.2(TTN):c.45483_45495del (p.Gly15162fs)

Genes: TTN (titin; minus strand), LOC126806427 (BRD4-independent group 4 enhancer GRCh37_chr2:179485777-179486976; plus strand). Cytogenetic location: 2q31.2.
Variant type: Deletion.
Coding change: c.45483_45495del on transcript NM_001267550.2 (MANE Select); coding-DNA positions 45483 to 45495, 13 bases deleted (TGGAGATAAATAT).
Protein change: p.Gly15162fs; shifts the reading frame from glycine 15162.
Molecular consequence: frameshift variant.
Genome position (GRCh38, 1-based): chr2:178,621,223-178,621,235, ATATTTATCTCCA deleted on the plus strand (TGGAGATAAATAT on the coding strand, the reverse complement: TTN is on the minus strand). VCF-style (leftmost placement, unchanged base first): chr2-178621222-CATATTTATCTCCA-C. GRCh37 (hg19) VCF-style: chr2-179485949-CATATTTATCTCCA-C.
Other names: c.40560_40572del, p.Gly13521fs (NM_001256850.1); c.18288_18300del, p.Gly6097fs (NM_003319.4); c.37779_37791del, p.Gly12594fs (NM_133378.4); c.18663_18675del, p.Gly6222fs (NM_133432.3); c.18864_18876del, p.Gly6289fs (NM_133437.4); short protein forms G6097fs, G6222fs, G15162fs, G12594fs, G13521fs, G6289fs.
Identifiers: ClinVar variation 2056644 (VCV002056644.4), dbSNP rs2471038184, ClinGen allele CA2580065061.

ClinVar aggregate classification (germline): Likely pathogenic (1 of 4 stars; one submission).

Conditions:
Dilated cardiomyopathy 1G (CMD1G). Identifiers: Orphanet 154, MedGen C1858763, MONDO:0011400, OMIM 604145.
Autosomal recessive limb-girdle muscular dystrophy type 2J (LGMDR10). Also called: Limb-girdle muscular dystrophy, type 2J; MUSCULAR DYSTROPHY, LIMB-GIRDLE, AUTOSOMAL RECESSIVE 10. Identifiers: Orphanet 140922, MedGen C1837342, MONDO:0012127, OMIM 608807.

Submission:

Labcorp Genetics (formerly Invitae), Labcorp
Classification: Likely pathogenic for Dilated cardiomyopathy 1G; Autosomal recessive limb-girdle muscular dystrophy type 2J. Last evaluated: 2024-10-18. Review status: criteria provided, single submitter. Criteria: Invitae Variant Classification Sherloc (09022015). Collection method: clinical testing. Allele origin: germline.
Comment: This sequence change creates a premature translational stop signal (p.Gly15162Thrfs*11) in the TTN gene. While this is not anticipated to result in nonsense mediated decay, it is expected to create a truncated TTN protein. This variant is not present in population databases (gnomAD no frequency). This variant has not been reported in the literature in individuals affected with TTN-related conditions. ClinVar contains an entry for this variant (Variation ID: 2056644). This variant is located in the I band of TTN (PMID: 25589632). Truncating variants in this region have been reported in individuals affected with autosomal recessive centronuclear myopathy (PMID: 23975875, internal data). Truncating variants in this region have also been identified in individuals affected with autosomal dominant dilated cardiomyopathy and/or cardio-related conditions (PMID: 27869827, 32964742, internal data). In summary, the currently available evidence indicates that the variant is pathogenic, but additional data are needed to prove that conclusively. Therefore, this variant has been classified as Likely Pathogenic.

Literature cited by the submitters: PubMed 25589632; PubMed 23975875; PubMed 27869827; PubMed 32964742.